The following is an entry in ClinVar:

NM_006445.4(PRPF8):c.3584G>A (p.Arg1195His)

Gene: PRPF8 (pre-mRNA processing factor 8; minus strand). Cytogenetic location: 17p13.3.
Variant type: single nucleotide variant.
Coding change: c.3584G>A on transcript NM_006445.4 (MANE Select); coding-DNA position 3584, G replaced by A.
Protein change: p.Arg1195His; replaces arginine 1195 with histidine.
Molecular consequence: missense variant.
Genome position (GRCh38, 1-based): chr17:1,673,430, C>T on the plus strand (G>A on the coding strand, the complement: PRPF8 is on the minus strand). VCF-style: chr17-1673430-C-T. GRCh37 (hg19) VCF-style: chr17-1576724-C-T.
Other names: short protein forms R1195H.
Identifiers: ClinVar variation 2055414 (VCV002055414.4), dbSNP rs1438565919, ClinGen allele CA397539309.
Genomic context (GRCh38, chr17:1,673,430, plus strand): 5'-TTCCAGACCCCGTCCTTGTGGGTGAACTCCTCATAGCTGGTGCGGCACTTAGGCAGGATG[C>T]GGCACTCGAAGCCACACATGTTGAACAGCAGGTTGGGGTTGTCCTTACTGTACACAGACA-3'
Protein context (NP_006436.3, residues 1185-1205): LLFNMCGFEC[Arg1195His]ILPKCRTSYE

ClinVar aggregate classification (germline): Uncertain significance (1 of 4 stars; one submission).

Submission:

Labcorp Genetics (formerly Invitae), Labcorp
Classification: Uncertain significance. Last evaluated: 2023-11-06. Review status: criteria provided, single submitter. Criteria: Invitae Variant Classification Sherloc (09022015). Collection method: clinical testing. Allele origin: germline.
Comment: This sequence change replaces arginine, which is basic and polar, with histidine, which is basic and polar, at codon 1195 of the PRPF8 protein (p.Arg1195His). This variant is not present in population databases (gnomAD no frequency). This variant has not been reported in the literature in individuals affected with PRPF8-related conditions. ClinVar contains an entry for this variant (Variation ID: 2055414). Advanced modeling of protein sequence and biophysical properties (such as structural, functional, and spatial information, amino acid conservation, physicochemical variation, residue mobility, and thermodynamic stability) performed at Invitae indicates that this missense variant is expected to disrupt PRPF8 protein function with a positive predictive value of 80%. In summary, the available evidence is currently insufficient to determine the role of this variant in disease. Therefore, it has been classified as a Variant of Uncertain Significance.